The following is an entry in ClinVar:

ClinVar aggregate classification (germline): Uncertain significance. Review status: criteria provided, multiple submitters, no conflicts (2 of 4 stars). 2 submissions from 2 submitters: Uncertain significance (2). Last evaluated 2025-10-01.

Conditions:
Spastic paraplegia. Identifiers: MedGen C0037772, HP:0001258.
Hereditary spastic paraplegia 18. Identifiers: Orphanet 209951, MedGen C2749936, MONDO:0012639.

Allele frequency attached by ClinVar (database versions not stated): TOPMed 0.00005; gnomAD 0.00002; gnomAD exomes 0.00002; ExAC 0.00009.
gnomAD v4.1: 33 of 1,613,466 alleles (0.002%); highest among the groups gnomAD compares: Admixed American, 0.032%; no homozygotes.

Submissions (2):

Labcorp Genetics (formerly Invitae), Labcorp
Classification: Uncertain significance for Spastic paraplegia. Last evaluated: 2025-10-01. Review status: criteria provided, single submitter. Criteria: Invitae Variant Classification Sherloc (09022015). Collection method: clinical testing. Allele origin: germline.
Comment: This sequence change replaces alanine, which is neutral and non-polar, with valine, which is neutral and non-polar, at codon 290 of the ERLIN2 protein (p.Ala290Val). This variant is present in population databases (rs759417913, gnomAD 0.04%). This variant has not been reported in the literature in individuals affected with ERLIN2-related conditions. ClinVar contains an entry for this variant (Variation ID: 2663843). Invitae Evidence Modeling of protein sequence and biophysical properties (such as structural, functional, and spatial information, amino acid conservation, physicochemical variation, residue mobility, and thermodynamic stability) indicates that this missense variant is not expected to disrupt ERLIN2 protein function with a negative predictive value of 80%. In summary, the available evidence is currently insufficient to determine the role of this variant in disease. Therefore, it has been classified as a Variant of Uncertain Significance.

Progenie Molecular
Classification: Uncertain significance for Spastic paraplegia 18b, autosomal recessive. Last evaluated: 2023-11-14. Review status: criteria provided, single submitter. Criteria: ACMG Guidelines, 2015. Collection method: clinical testing. Allele origin: germline. Inheritance: Autosomal recessive inheritance. Affected: yes. Observed: 3 variant alleles, 3 compound heterozygotes. Clinical features observed: Spastic paraplegia (HP:0001258), Lower limb spasticity (HP:0002061), Gait disturbance (HP:0001288), Clubfoot (HP:0001762).
Comment: In silico analysis predicted that the c.869C>T variant is deleterious by SIFT and probably damaging by Polyphen. The variant has a frequency of 8.358e-5 in gnomAD and was absent in 1000 Genomes and European Variation Archive. In summary, we consider the c.869C>T variant to be of uncertain significance when analysed independently from c.660delA, as it meets our criteria based on a segregation study, software prediction and extremely low frequency, but does not reach sufficient evidence for being considered as likely pathogenic on its own.

NM_007175.8(ERLIN2):c.869C>T (p.Ala290Val)

Gene: ERLIN2 (ER lipid raft associated 2; plus strand). Cytogenetic location: 8p11.23.
Variant type: single nucleotide variant.
Coding change: c.869C>T on transcript NM_007175.8 (MANE Select); coding-DNA position 869, C replaced by T.
Protein change: p.Ala290Val; replaces alanine 290 with valine.
Molecular consequence: missense variant.
Genome position (GRCh38, 1-based): chr8:37,753,964, C>T. VCF-style: chr8-37753964-C-T. GRCh37 (hg19) VCF-style: chr8-37611482-C-T.
Other names: c.869C>T, p.Ala290Val (NM_001362878.2); short protein forms A290V.
Identifiers: ClinVar variation 2663843 (VCV002663843.4), dbSNP rs759417913, ClinGen allele CA4711037.
Genomic context (GRCh38, chr8:37,753,964, plus strand): 5'-TTTTTTAACAGCTGAAGCTAACCCCTGAATATCTGCAGCTGATGAAGTACAAGGCCATTG[C>T]TTCCAACAGCAAGATTTACTTTGGCAAAGACATTCCTAACATGTTCATGGACTCTGCGGG-3'
Protein context (NP_009106.1, residues 280-300): YLQLMKYKAI[Ala290Val]SNSKIYFGKD